The following is an entry in ClinVar:

NM_000426.4(LAMA2):c.4217G>T (p.Gly1406Val)

Gene: LAMA2 (laminin subunit alpha 2; plus strand). Cytogenetic location: 6q22.33.
Variant type: single nucleotide variant.
Coding change: c.4217G>T on transcript NM_000426.4 (MANE Select); coding-DNA position 4217, G replaced by T.
Protein change: p.Gly1406Val; replaces glycine 1406 with valine.
Molecular consequence: missense variant.
Genome position (GRCh38, 1-based): chr6:129,328,318, G>T. VCF-style: chr6-129328318-G-T. GRCh37 (hg19) VCF-style: chr6-129649463-G-T.
Other names: c.4217G>T, p.Gly1406Val (NM_001079823.2); short protein forms G1406V.
Identifiers: ClinVar variation 1416222 (VCV001416222.5), dbSNP rs758571738, ClinGen allele CA3993483.
Genomic context (GRCh38, chr6:129,328,318, plus strand): 5'-TTGGCTTCCTTTTCTTTCAGGCATGCTTGCCGGGATTTTATCGACTGCGTTCTCAACCAG[G>T]TGGCCGCACCCCTGGACCAACCCTGGGCACCTGTGTTCCATGTCAATGTAATGGACACAG-3'
Protein context (NP_000417.3, residues 1396-1416): PGFYRLRSQP[Gly1406Val]GRTPGPTLGT

ClinVar aggregate classification (germline): Uncertain significance. Review status: criteria provided, multiple submitters, no conflicts (2 of 4 stars). 3 submissions from 3 submitters: Uncertain significance (3). Last evaluated 2023-02-27.

Conditions:
LAMA2-related muscular dystrophy (LAMA2-RD). Also called: Laminin alpha 2-related dystrophy. Identifiers: MedGen C5679788, MONDO:0100228.

Allele frequency attached by ClinVar (database versions not stated): gnomAD exomes 0.00001; ExAC 0.00002.
gnomAD v4.1: 9 of 1,614,126 alleles (0.00056%); highest among the groups gnomAD compares: Middle Eastern, 0.016%; no homozygotes.

Submissions (3):

Blueprint Genetics
Classification: Uncertain significance. Last evaluated: 2023-02-27. Review status: criteria provided, single submitter. Criteria: ACMG Guidelines, 2015. Collection method: clinical testing. Allele origin: germline.

Labcorp Genetics (formerly Invitae), Labcorp
Classification: Uncertain significance for LAMA2-related muscular dystrophy. Last evaluated: 2022-08-16. Review status: criteria provided, single submitter. Criteria: Invitae Variant Classification Sherloc (09022015). Collection method: clinical testing. Allele origin: germline.
Comment: This sequence change replaces glycine, which is neutral and non-polar, with valine, which is neutral and non-polar, at codon 1406 of the LAMA2 protein (p.Gly1406Val). This variant is present in population databases (rs758571738, gnomAD 0.006%). This variant has not been reported in the literature in individuals affected with LAMA2-related conditions. ClinVar contains an entry for this variant (Variation ID: 1416222). Advanced modeling of protein sequence and biophysical properties (such as structural, functional, and spatial information, amino acid conservation, physicochemical variation, residue mobility, and thermodynamic stability) performed at Invitae indicates that this missense variant is not expected to disrupt LAMA2 protein function. In summary, the available evidence is currently insufficient to determine the role of this variant in disease. Therefore, it has been classified as a Variant of Uncertain Significance.

Breakthrough Genomics
Classification: Uncertain significance. Review status: criteria provided, single submitter. Criteria: ACMG Guidelines, 2015. Collection method: not provided. Allele origin: germline. Inheritance: Autosomal recessive inheritance. Affected: yes.